The following is an entry in ClinVar:

NM_001040108.2(MLH3):c.1770T>G (p.Cys590Trp)

Gene: MLH3 (mutL homolog 3; minus strand). Cytogenetic location: 14q24.3.
Variant type: single nucleotide variant.
Coding change: c.1770T>G on transcript NM_001040108.2 (MANE Select); coding-DNA position 1770, T replaced by G.
Protein change: p.Cys590Trp; replaces cysteine 590 with tryptophan.
Molecular consequence: missense variant.
Genome position (GRCh38, 1-based): chr14:75,047,886, A>C on the plus strand (T>G on the coding strand, the complement: MLH3 is on the minus strand). VCF-style: chr14-75047886-A-C. GRCh37 (hg19) VCF-style: chr14-75514589-A-C.
Other names: c.1770T>G, p.Cys590Trp (NM_014381.3); c.1770T>G (NM_001040108.1); short protein forms C590W.
Identifiers: ClinVar variation 1062789 (VCV001062789.10), dbSNP rs769773711, ClinGen allele CA390444363.

ClinVar aggregate classification (germline): Uncertain significance. Review status: criteria provided, multiple submitters, no conflicts (2 of 4 stars). 2 submissions from 2 submitters: Uncertain significance (2). Last evaluated 2024-03-01.

Conditions:
Colorectal cancer, hereditary nonpolyposis, type 7. Identifiers: Orphanet 144, MedGen C1858380, MONDO:0013725, OMIM 614385.

Allele frequency attached by ClinVar (database versions not stated): TOPMed below 0.00001; gnomAD 0.00001.
gnomAD v4.1: 1 of 1,613,340 alleles (0.000062%); highest among the groups gnomAD compares: Admixed American, 0.0017%; no homozygotes.

Submissions (2):

Ambry Genetics
Classification: Uncertain significance. Last evaluated: 2024-03-01. Review status: criteria provided, single submitter. Criteria: Ambry Variant Classification Scheme 2023. Collection method: clinical testing. Allele origin: germline.
Comment: The p.C590W variant (also known as c.1770T>G), located in coding exon 1 of the MLH3 gene, results from a T to G substitution at nucleotide position 1770. The cysteine at codon 590 is replaced by tryptophan, an amino acid with highly dissimilar properties. This amino acid position is conserved. In addition, this alteration is predicted to be tolerated by in silico analysis. Based on the available evidence, the clinical significance of this alteration remains unclear.

Labcorp Genetics (formerly Invitae), Labcorp
Classification: Uncertain significance for Colorectal cancer, hereditary nonpolyposis, type 7. Last evaluated: 2020-08-06. Review status: criteria provided, single submitter. Criteria: Invitae Variant Classification Sherloc (09022015). Collection method: clinical testing. Allele origin: germline.
Comment: In summary, the available evidence is currently insufficient to determine the role of this variant in disease. Therefore, it has been classified as a Variant of Uncertain Significance. Algorithms developed to predict the effect of missense changes on protein structure and function (SIFT, PolyPhen-2, Align-GVGD) all suggest that this variant is likely to be tolerated, but these predictions have not been confirmed by published functional studies and their clinical significance is uncertain. This variant has not been reported in the literature in individuals with MLH3-related conditions. This variant is not present in population databases (ExAC no frequency). This sequence change replaces cysteine with tryptophan at codon 590 of the MLH3 protein (p.Cys590Trp). The cysteine residue is weakly conserved and there is a large physicochemical difference between cysteine and tryptophan.